The following is an entry in ClinVar:

ClinVar aggregate classification (germline): Likely pathogenic (1 of 4 stars; one submission).

Submission:

Mayo Clinic Laboratories, Mayo Clinic
Classification: Likely pathogenic. Last evaluated: 2025-08-27. Review status: criteria provided, single submitter. Criteria: ACMG Guidelines, 2015. Collection method: clinical testing. Allele origin: germline. Observed: 1 variant allele.
Comment: PM2_supporting, PVS1

NM_003126.4(SPTA1):c.3090T>A (p.Tyr1030Ter)

Gene: SPTA1 (spectrin alpha, erythrocytic 1; minus strand). Cytogenetic location: 1q23.1.
Variant type: single nucleotide variant.
Coding change: c.3090T>A on transcript NM_003126.4 (MANE Select); coding-DNA position 3090, T replaced by A.
Protein change: p.Tyr1030Ter; replaces tyrosine 1030 with a stop codon.
Molecular consequence: nonsense.
Genome position (GRCh38, 1-based): chr1:158,653,372, A>T on the plus strand (T>A on the coding strand, the complement: SPTA1 is on the minus strand). VCF-style: chr1-158653372-A-T. GRCh37 (hg19) VCF-style: chr1-158623162-A-T.
Other names: p.Tyr1030*; short protein forms Y1030*.
Identifiers: ClinVar variation 4541687 (VCV004541687.1).